The following is an entry in ClinVar:

ClinVar aggregate classification (germline): Uncertain significance (1 of 4 stars; one submission).

Conditions:
Hereditary nonpolyposis colorectal neoplasms. Identifiers: MedGen C0009405, MeSH D003123.

Submission:

Labcorp Genetics (formerly Invitae), Labcorp
Classification: Uncertain significance for Hereditary nonpolyposis colorectal neoplasms. Last evaluated: 2021-03-17. Review status: criteria provided, single submitter. Criteria: Invitae Variant Classification Sherloc (09022015). Collection method: clinical testing. Allele origin: germline.
Comment: Advanced modeling of protein sequence and biophysical properties (such as structural, functional, and spatial information, amino acid conservation, physicochemical variation, residue mobility, and thermodynamic stability) performed at Invitae indicates that this missense variant is not expected to disrupt PMS2 protein function. In summary, the available evidence is currently insufficient to determine the role of this variant in disease. Therefore, it has been classified as a Variant of Uncertain Significance. This variant has not been reported in the literature in individuals with PMS2-related conditions. This variant is not present in population databases (ExAC no frequency). This sequence change replaces serine with phenylalanine at codon 535 of the PMS2 protein (p.Ser535Phe). The serine residue is weakly conserved and there is a large physicochemical difference between serine and phenylalanine.

NM_000535.7(PMS2):c.1604C>T (p.Ser535Phe)

Gene: PMS2 (PMS1 homolog 2, mismatch repair system component; minus strand). Cytogenetic location: 7p22.1.
Variant type: single nucleotide variant.
Coding change: c.1604C>T on transcript NM_000535.7 (MANE Select); coding-DNA position 1604, C replaced by T.
Protein change: p.Ser535Phe; replaces serine 535 with phenylalanine.
Molecular consequence: missense variant. On other transcripts: non-coding transcript variant (1).
Genome position (GRCh38, 1-based): chr7:5,987,161, G>A on the plus strand (C>T on the coding strand, the complement: PMS2 is on the minus strand). VCF-style: chr7-5987161-G-A. GRCh37 (hg19) VCF-style: chr7-6026792-G-A.
Other names: c.1199C>T, p.Ser400Phe (NM_001322003.2, NM_001322004.2, NM_001322005.2 and 1 more transcripts); c.1448C>T, p.Ser483Phe (NM_001322006.2); c.1286C>T, p.Ser429Phe (NM_001322007.2, NM_001322008.2); c.1043C>T, p.Ser348Phe (NM_001322010.2); c.671C>T, p.Ser224Phe (NM_001322011.2, NM_001322012.2); c.1031C>T, p.Ser344Phe (NM_001322013.2); c.1604C>T, p.Ser535Phe (NM_001322014.2); c.1295C>T, p.Ser432Phe (NM_001322015.2); short protein forms S344F, S535F, S348F, S432F, S224F, S429F, S400F, S483F.
Identifiers: ClinVar variation 1379475 (VCV001379475.8), dbSNP rs762579299, ClinGen allele CA366741498.
Genomic context (GRCh38, chr7:5,987,161, plus strand): 5'-TGGTTTGAATGGCAGTCCACATCTGAAAAAGAGTCGTCAGTTTTAGGCGCTTTCTCCTGA[G>A]AGTCCACATGTTCCTGCGAGCCCCTGTCCCCTGGGGAGCTGGCCGCATACTCGCTGCTGC-3'
Protein context (NP_000526.2, residues 525-545): GDRGSQEHVD[Ser535Phe]QEKAPKTDDS